The following is an entry in ClinVar:

ClinVar aggregate classification (germline): Likely benign. Review status: reviewed by expert panel (3 of 4 stars). 11 submissions from 11 submitters: Likely benign (1). 10 of the submissions do not count toward it. Last evaluated 2017-06-29.

Conditions:
Hereditary breast ovarian cancer syndrome. Also called: Hereditary breast and ovarian cancer syndrome; Breast and ovarian cancer; Hereditary breast and ovarian cancer; Hereditary breast and ovarian cancer syndrome (HBOC); BRCA1- and BRCA2-Associated Hereditary Breast and Ovarian Cancer; Hereditary breast and/or ovarian cancer syndrome. Identifiers: Orphanet 145, MedGen C0677776, MeSH D061325, MONDO:0003582. Disease mechanism: loss of function.
Breast-ovarian cancer, familial, susceptibility to, 2 (BROVCA2). Also called: BRCA2 Hereditary Breast and Ovarian Cancer. Identifiers: Orphanet 145, MedGen C2675520, MONDO:0012933, OMIM 612555. Disease mechanism: loss of function.
Breast and/or ovarian cancer. Identifiers: MedGen CN221562.
Hereditary cancer-predisposing syndrome. Also called: Hereditary neoplastic syndrome; Hereditary Cancer Syndrome; Neoplastic Syndromes, Hereditary; Tumor predisposition. Identifiers: Orphanet 140162, MedGen C0027672, MeSH D009386, MONDO:0015356.
Fanconi anemia complementation group D1. Also called: BRCA2-Related Fanconi Anemia. Identifiers: Orphanet 319462, MedGen C1838457, MONDO:0011584, OMIM 605724.
Medulloblastoma (MDB). Also called: MEDULLOBLASTOMA PREDISPOSITION SYNDROME; Medulloblastoma, somatic. Identifiers: Orphanet 616, MedGen C0025149, MeSH D008527, MONDO:0007959, OMIM 155255, HP:0002885.
Prostate cancer. Also called: Malignant tumor of prostate. Identifiers: Orphanet 1331, MedGen C0376358, MONDO:0008315, HP:0012125.
Familial cancer of breast. Also called: hereditary breast carcinoma; BREAST CANCER, FAMILIAL; Hereditary breast cancer. Identifiers: Orphanet 227535, MedGen C0346153, MONDO:0016419, OMIM 114480. Disease mechanism: loss of function.
Wilms tumor 1 (WT1). Also called: Wilms tumor, somatic. Identifiers: Orphanet 654, MedGen CN033288, MONDO:0008679, OMIM 194070.
Pancreatic cancer, susceptibility to, 2. Identifiers: Orphanet 1333, MedGen C3150546, MONDO:0013235, OMIM 613347.
Glioma susceptibility 3 (GLM3). Also called: Glioblastoma 3. Identifiers: Orphanet 182067, Orphanet 360, MedGen C2751641, MONDO:0013093, OMIM 613029.
BRCA2-related cancer predisposition. Identifiers: MedGen CN377758, MONDO:0700269.
BRCA2-related disorder. Also called: BRCA2-related condition; BRCA2-related disorders. Identifiers: MedGen CN239275.

Allele frequency attached by ClinVar (database versions not stated): gnomAD 0.00001; TOPMed 0.00001.
gnomAD v4.1: 3 of 1,595,382 alleles (0.00019%); highest among the groups gnomAD compares: East Asian, 0.0045%; no homozygotes.

Submissions (11):

Evidence-based Network for the Interpretation of Germline Mutant Alleles (ENIGMA)
Classification: Likely benign for Breast-ovarian cancer, familial, susceptibility to, 2. Last evaluated: 2017-06-29. Review status: reviewed by expert panel. Criteria: ENIGMA BRCA1/2 Classification Criteria (2017-06-29). Collection method: curation. Allele origin: germline.
Comment: Synonymous substitution variant, with low bioinformatic likelihood to result in a splicing aberration (Splicing prior probability 0.02).

Labcorp Genetics (formerly Invitae), Labcorp
Classification: Likely benign for Hereditary breast ovarian cancer syndrome. Last evaluated: 2025-12-23. Review status: criteria provided, single submitter. Criteria: Invitae Variant Classification Sherloc (09022015). Collection method: clinical testing. Allele origin: germline. Not counted in ClinVar's aggregate classification.

All of Us Research Program, National Institutes of Health
Classification: Likely benign for BRCA2-related cancer predisposition. Last evaluated: 2024-07-20. Review status: criteria provided, single submitter. Criteria: ACMG Guidelines, 2015. Collection method: clinical testing. Allele origin: germline. Inheritance: Autosomal dominant inheritance. Observed: 1 variant allele, 1 heterozygote. Not counted in ClinVar's aggregate classification.
Comment: This study involves interpretation of variants in research participants for the purpose of population health screening. Participant phenotype was not available at the time of variant classification. Additional details can be found in publication PMID: 35346344, PMCID: PMC8962531

Quest Diagnostics Nichols Institute San Juan Capistrano
Classification: Benign. Last evaluated: 2022-10-18. Review status: criteria provided, single submitter. Criteria: Quest Diagnostics criteria. Collection method: clinical testing. Allele origin: unknown. Not counted in ClinVar's aggregate classification.

Fulgent Genetics
Classification: Likely benign for Familial cancer of breast; Medulloblastoma; Familial prostate cancer; Wilms tumor 1; Fanconi anemia complementation group D1; Breast-ovarian cancer, familial, susceptibility to, 2; Glioma susceptibility 3; Pancreatic cancer, susceptibility to, 2. Last evaluated: 2021-09-02. Review status: criteria provided, single submitter. Criteria: ACMG Guidelines, 2015. Collection method: clinical testing. Allele origin: unknown. Not counted in ClinVar's aggregate classification.

GeneDx
Classification: Likely benign. Last evaluated: 2020-01-21. Review status: criteria provided, single submitter. Criteria: GeneDx Variant Classification Process June 2021. Collection method: clinical testing. Allele origin: germline. Affected: yes. Not counted in ClinVar's aggregate classification.

CHEO Genetics Diagnostic Laboratory, Children's Hospital of Eastern Ontario
Classification: Likely benign for Breast and/or ovarian cancer. Last evaluated: 2019-09-11. Review status: criteria provided, single submitter. Criteria: ACMG Guidelines, 2015. Collection method: clinical testing. Allele origin: germline. Not counted in ClinVar's aggregate classification.

Women's Health and Genetics/Laboratory Corporation of America, LabCorp
Classification: Likely benign. Last evaluated: 2019-08-21. Review status: criteria provided, single submitter. Criteria: LabCorp Variant Classification Summary - May 2015. Collection method: clinical testing. Allele origin: germline. Not counted in ClinVar's aggregate classification.

Color Diagnostics, LLC DBA Color Health
Classification: Likely benign for Hereditary cancer-predisposing syndrome. Last evaluated: 2017-03-08. Review status: criteria provided, single submitter. Criteria: ACMG Guidelines, 2015. Collection method: clinical testing. Allele origin: germline. Not counted in ClinVar's aggregate classification.

Ambry Genetics
Classification: Likely benign for Hereditary cancer-predisposing syndrome. Last evaluated: 2015-12-15. Review status: criteria provided, single submitter. Criteria: Ambry Variant Classification Scheme 2023. Collection method: clinical testing. Allele origin: germline. Not counted in ClinVar's aggregate classification.

PreventionGenetics, part of Exact Sciences
Classification: Likely benign for BRCA2-related condition. Last evaluated: 2019-07-30. Review status: no assertion criteria provided. Collection method: clinical testing. Allele origin: germline. Not counted in ClinVar's aggregate classification.
Comment: This variant is classified as likely benign based on ACMG/AMP sequence variant interpretation guidelines (Richards et al. 2015 PMID: 25741868, with internal and published modifications).

NM_000059.4(BRCA2):c.5028T>C (p.Ser1676=)

Gene: BRCA2 (BRCA2 DNA repair associated; plus strand). Cytogenetic location: 13q13.1.
Variant type: single nucleotide variant.
Coding change: c.5028T>C on transcript NM_000059.4 (MANE Select); coding-DNA position 5028, T replaced by C.
Protein change: p.Ser1676=; no amino-acid change (serine 1676 retained).
Molecular consequence: synonymous variant.
Genome position (GRCh38, 1-based): chr13:32,339,383, T>C. VCF-style: chr13-32339383-T-C. GRCh37 (hg19) VCF-style: chr13-32913520-T-C.
Identifiers: ClinVar variation 215608 (VCV000215608.30), dbSNP rs762458631, ClinGen allele CA337066.
Genomic context (GRCh38, chr13:32,339,383, plus strand): 5'-AAATCAGTCCCCTTATTCAGTCATTGAAAATTCAGCCTTAGCTTTTTACACAAGTTGTAG[T>C]AGAAAAACTTCTGTGAGTCAGACTTCATTACTTGAAGCAAAAAAATGGCTTAGAGAAGGA-3'
Protein context (NP_000050.3, residues 1666-1686): NSALAFYTSC[Ser1676=]RKTSVSQTSL